The following is an entry in ClinVar:

NM_014625.4(NPHS2):c.705_713del (p.Leu236_Arg238del)

Gene: NPHS2 (NPHS2 stomatin family member, podocin; minus strand). Cytogenetic location: 1q25.2.
Variant type: Deletion.
Coding change: c.705_713del on transcript NM_014625.4 (MANE Select); coding-DNA positions 705 to 713, 9 bases deleted (TCTAGAGAG; older notation c.705_713delTCTAGAGAG).
Protein change: p.Leu236_Arg238del.
Molecular consequence: inframe deletion. On other transcripts: intron variant (1).
Genome position (GRCh38, 1-based): chr1:179,557,052-179,557,060, CTCTCTAGA deleted on the plus strand (TCTAGAGAG on the coding strand, the reverse complement: NPHS2 is on the minus strand). VCF-style (leftmost placement, unchanged base first): chr1-179557051-CCTCTCTAGA-C. GRCh37 (hg19) VCF-style: chr1-179526186-CCTCTCTAGA-C.
Other names: c.535-2529_535-2521del (NM_001297575.2).
Identifiers: ClinVar variation 2502066 (VCV002502066.2), dbSNP rs1558344689, ClinGen allele CA422025666.
Genomic context (GRCh38, chr1:179,557,051, plus strand): 5'-ATTTCAGCATATTGGCCATTATGTTTATCTAAGTACCTTTGCATCTTGGGCGATGCTCTT[CCTCTCTAGA>C]AGAATTTCAGTGAGGGATCGATGTGCTAGGAGACGCTTCATAGTGGTTTGCACAAGGAAT-3'

ClinVar aggregate classification (germline): Pathogenic/Likely pathogenic. Review status: criteria provided, multiple submitters, no conflicts (2 of 4 stars). 3 submissions from 3 submitters: Pathogenic (1); Likely pathogenic (2). Last evaluated 2025-05-16.

Conditions:
Nephrotic syndrome, type 2 (NPHS2). Also called: NEPHROTIC SYNDROME, STEROID-RESISTANT, AUTOSOMAL RECESSIVE. Identifiers: Orphanet 656, MedGen C1868672, MONDO:0010974, OMIM 600995.
Steroid-resistant nephrotic syndrome. Identifiers: MedGen C0403397, MONDO:0044765, HP:0012588.

Allele frequency attached by ClinVar (database versions not stated): gnomAD exomes below 0.00001.

Submissions (3):

Myriad Genetics, Inc.
Classification: Likely pathogenic for Nephrotic syndrome, type 2. Last evaluated: 2025-05-16. Review status: criteria provided, single submitter. Criteria: Myriad Autosomal Dominant, Autosomal Recessive and X-Linked Classification Criteria (2023). Collection method: clinical testing. Allele origin: unknown.
Comment: NM_014625.2(NPHS2):c.705_713del9(L236_R238del) is an in-frame deletion classified as likely pathogenic in the context of nephrotic syndrome, NPHS2-related. L236_R238del has been observed in cases with relevant disease (PMID: 28117080, 15253708, 25143137). Relevant functional assessments of this variant are available in the literature (PMID: 14675423). L236_R238del has been observed in referenced population frequency databases. In summary, NM_014625.2(NPHS2):c.705_713del9(L236_R238del) is an in-frame deletion that has functional support for pathogenicity and has been observed more frequently in cases with the relevant disease than in healthy populations. Please note: this variant was assessed in the context of healthy population screening.

Natera, Inc.
Classification: Likely pathogenic for Steroid-resistant nephrotic syndrome. Last evaluated: 2024-04-20. Review status: criteria provided, single submitter. Criteria: Natera Variant Classification Schema (03/2026). Collection method: clinical testing. Allele origin: germline.
Comment: The c.705_713delTCTAGAGAG variant in NPHS2 is an in-frame deletion. This variant is rare in the general population with a frequency below the threshold expected for the associated phenotype(s). This variant has been observed in one or more individuals affected with the associated recessive disease, as either homozygous or compound heterozygous with a second variant (PMID: 28117080, 25143137). Additionally, this variant has been observed to segregate in affected family members (PMID: 25143137). Functional studies show that this variant may disrupt protein function (PMID: 14675423). This variant results in a change to the protein length while preserving reading frame, which may disrupt normal protein structure or function. Computational prediction algorithms indicate this variant is likely to affect gene or protein function. Given the available evidence, this variant is classified as Likely Pathogenic.

GeneDx
Classification: Pathogenic. Last evaluated: 2022-11-12. Review status: criteria provided, single submitter. Criteria: GeneDx Variant Classification Process June 2021. Collection method: clinical testing. Allele origin: germline. Affected: yes.
Comment: Published functional studies demonstrate a damaging effect with abnormal localization and trafficking (Roselli et al., 2004); In-frame deletion of 3 amino acids in a non-repeat region predicted to critically alter the protein; Not observed at significant frequency in large population cohorts (gnomAD); In silico analysis supports a deleterious effect on protein structure/function; This variant is associated with the following publications: (PMID: 25143137, 28117080, 14675423, 15253708)

Literature cited by the submitters: PubMed 14675423 (cited by Myriad Genetics, Inc. and Natera, Inc.); PubMed 15253708 (cited by Myriad Genetics, Inc.); PubMed 25143137 (cited by Myriad Genetics, Inc. and Natera, Inc.); PubMed 28117080 (cited by Myriad Genetics, Inc. and Natera, Inc.).